The following is an entry in ClinVar:

NM_000219.6(KCNE1):c.256G>A (p.Ala86Thr)

Gene: KCNE1 (potassium voltage-gated channel subfamily E regulatory subunit 1; minus strand). Cytogenetic location: 21q22.12.
Variant type: single nucleotide variant.
Coding change: c.256G>A on transcript NM_000219.6 (MANE Select); coding-DNA position 256, G replaced by A.
Protein change: p.Ala86Thr; replaces alanine 86 with threonine.
Molecular consequence: missense variant.
Genome position (GRCh38, 1-based): chr21:34,449,379, C>T on the plus strand (G>A on the coding strand, the complement: KCNE1 is on the minus strand). VCF-style: chr21-34449379-C-T. GRCh37 (hg19) VCF-style: chr21-35821677-C-T.
Other names: c.256G>A, p.Ala86Thr (NM_001127668.4, NM_001127669.4, NM_001127670.4 and 4 more transcripts); short protein forms A86T.
Identifiers: ClinVar variation 1006975 (VCV001006975.10), dbSNP rs1980978031, ClinGen allele CA410198167.

ClinVar aggregate classification (germline): Uncertain significance (1 of 4 stars; one submission).

Conditions:
Long QT syndrome (LQTS). Identifiers: MedGen C0023976, MeSH D008133, MONDO:0002442. Disease mechanism: loss of function. Inheritance: Various modes of inheritance.

Submissions (2):

Labcorp Genetics (formerly Invitae), Labcorp
Classification: Uncertain significance for Long QT syndrome. Last evaluated: 2020-03-14. Review status: criteria provided, single submitter. Criteria: Invitae Variant Classification Sherloc (09022015). Collection method: clinical testing. Allele origin: germline.
Comment: In summary, the available evidence is currently insufficient to determine the role of this variant in disease. Therefore, it has been classified as a Variant of Uncertain Significance. Algorithms developed to predict the effect of missense changes on protein structure and function output the following: SIFT: "Tolerated"; PolyPhen-2: "Benign"; Align-GVGD: "Class C0". The threonine amino acid residue is found in multiple mammalian species, suggesting that this missense change does not adversely affect protein function. These predictions have not been confirmed by published functional studies and their clinical significance is uncertain. This variant has not been reported in the literature in individuals with KCNE1-related conditions. This variant is not present in population databases (ExAC no frequency). This sequence change replaces alanine with threonine at codon 86 of the KCNE1 protein (p.Ala86Thr). The alanine residue is weakly conserved and there is a small physicochemical difference between alanine and threonine.

Roden Lab, Vanderbilt University Medical Center
No classification provided (evidence only). Condition: Long QT syndrome 5. Review status: no classification provided. Collection method: in vitro. Allele origin: not applicable. Functional consequence: Effect on ion channel function. Not counted in ClinVar's aggregate classification.
ClinVar note: "not provided" was previously submitted as the classification for the variant. However, the classification appeared to be based only on an observation of functional data so it was converted to no classification on 2025-07-30.